The following is an entry in ClinVar:

ClinVar aggregate classification (germline): Uncertain significance. Review status: criteria provided, multiple submitters, no conflicts (2 of 4 stars). 3 submissions from 3 submitters: Uncertain significance (3). Last evaluated 2026-07-06.

Conditions:
Bloom syndrome (BLM). Also called: Bloom-Torre-Machacek syndrome. Identifiers: Orphanet 125, MedGen C0005859, MONDO:0008876, OMIM 210900.
Hereditary cancer-predisposing syndrome. Also called: Hereditary Cancer Syndrome; Tumor predisposition; Neoplastic Syndromes, Hereditary; Hereditary neoplastic syndrome. Identifiers: Orphanet 140162, MedGen C0027672, MeSH D009386, MONDO:0015356.

Submissions (3):

Ambry Genetics
Classification: Uncertain significance for Hereditary cancer-predisposing syndrome. Last evaluated: 2026-07-06. Review status: criteria provided, single submitter. Criteria: Ambry Variant Classification Scheme 2023. Collection method: clinical testing. Allele origin: germline.
Comment: The p.S269N variant (also known as c.806G>A), located in coding exon 3 of the BLM gene, results from a G to A substitution at nucleotide position 806. The serine at codon 269 is replaced by asparagine, an amino acid with highly similar properties. This amino acid position is conserved. In addition, this alteration is predicted to be tolerated by in silico analysis. Based on the available evidence, the clinical significance of this variant remains unclear.

GeneDx
Classification: Uncertain significance. Last evaluated: 2024-05-24. Review status: criteria provided, single submitter. Criteria: GeneDx Variant Classification Process June 2021. Collection method: clinical testing. Allele origin: germline. Affected: yes.
Comment: Not observed at significant frequency in large population cohorts (gnomAD); In silico analysis indicates that this missense variant does not alter protein structure/function; Has not been previously published as pathogenic or benign to our knowledge

Labcorp Genetics (formerly Invitae), Labcorp
Classification: Uncertain significance for Bloom syndrome. Last evaluated: 2021-01-14. Review status: criteria provided, single submitter. Criteria: Invitae Variant Classification Sherloc (09022015). Collection method: clinical testing. Allele origin: germline.
Comment: In summary, the available evidence is currently insufficient to determine the role of this variant in disease. Therefore, it has been classified as a Variant of Uncertain Significance. Algorithms developed to predict the effect of missense changes on protein structure and function output the following: SIFT: "Tolerated"; PolyPhen-2: "Benign"; Align-GVGD: "Class C0". The asparagine amino acid residue is found in multiple mammalian species, suggesting that this missense change does not adversely affect protein function. These predictions have not been confirmed by published functional studies and their clinical significance is uncertain. This variant has not been reported in the literature in individuals with BLM-related conditions. This variant is not present in population databases (ExAC no frequency). This sequence change replaces serine with asparagine at codon 269 of the BLM protein (p.Ser269Asn). The serine residue is weakly conserved and there is a small physicochemical difference between serine and asparagine.

NM_000057.4(BLM):c.806G>A (p.Ser269Asn)

Gene: BLM (BLM RecQ like helicase; plus strand). Cytogenetic location: 15q26.1.
Variant type: single nucleotide variant.
Coding change: c.806G>A on transcript NM_000057.4 (MANE Select); coding-DNA position 806, G replaced by A.
Protein change: p.Ser269Asn; replaces serine 269 with asparagine.
Molecular consequence: missense variant. On other transcripts: 5 prime UTR variant (1).
Genome position (GRCh38, 1-based): chr15:90,751,793, G>A. VCF-style: chr15-90751793-G-A. GRCh37 (hg19) VCF-style: chr15-91295023-G-A.
Other names: c.806G>A, p.Ser269Asn (NM_001287246.2, NM_001287247.2); c.-486G>A (NM_001287248.2); c.806G>A (NM_000057.2); short protein forms S269N.
Identifiers: ClinVar variation 1502305 (VCV001502305.10), dbSNP rs2151149490, ClinGen allele CA393841619.